The following is an entry in ClinVar:

ClinVar aggregate classification (germline): Uncertain significance (1 of 4 stars; one submission).

Allele frequency attached by ClinVar (database versions not stated): gnomAD exomes below 0.00001.
gnomAD v4.1: 5 of 1,203,808 alleles (0.00042%); highest among the groups gnomAD compares: South Asian, 0.0018%; no homozygotes.

Submission:

CeGaT Center for Human Genetics Tuebingen
Classification: Uncertain significance. Last evaluated: 2023-03-01. Review status: criteria provided, single submitter. Criteria: CeGaT Center For Human Genetics Tuebingen Variant Classification Criteria Version 2. Collection method: clinical testing. Allele origin: germline. Affected: yes. Observed: 1 variant allele.
Comment: MAP7D3: PM2

NM_024597.4(MAP7D3):c.346C>T (p.Arg116Ter)

Gene: MAP7D3 (MAP7 domain containing 3; minus strand). Cytogenetic location: Xq26.3.
Variant type: single nucleotide variant.
Coding change: c.346C>T on transcript NM_024597.4 (MANE Select); coding-DNA position 346, C replaced by T.
Protein change: p.Arg116Ter; replaces arginine 116 with a stop codon.
Molecular consequence: nonsense.
Genome position (GRCh38, 1-based): chrX:136,244,703, G>A on the plus strand (C>T on the coding strand, the complement: MAP7D3 is on the minus strand). VCF-style: chrX-136244703-G-A. GRCh37 (hg19) VCF-style: chrX-135326862-G-A.
Other names: c.292C>T, p.Arg98Ter (NM_001173516.1); c.346C>T, p.Arg116Ter (NM_001173517.2); short protein forms R116*, R98*.
Identifiers: ClinVar variation 2661508 (VCV002661508.24), dbSNP rs1442001523, ClinGen allele CA414619209.